The following is an entry in ClinVar:

NM_001289104.2(PRKCSH):c.549T>C (p.Ala183=)

Gene: PRKCSH (PRKCSH beta subunit of glucosidase II; plus strand). Cytogenetic location: 19p13.2.
Variant type: single nucleotide variant.
Coding change: c.549T>C on transcript NM_001289104.2 (MANE Select); coding-DNA position 549, T replaced by C.
Protein change: p.Ala183=; no amino-acid change (alanine 183 retained).
Molecular consequence: synonymous variant.
Genome position (GRCh38, 1-based): chr19:11,442,466, T>C. VCF-style: chr19-11442466-T-C. GRCh37 (hg19) VCF-style: chr19-11553281-T-C.
Other names: p.Ala183=; c.549T>C, p.Ala183= (NM_001001329.3, NM_001289102.2, NM_001289103.2 and 3 more transcripts).
Identifiers: ClinVar variation 258796 (VCV000258796.40), dbSNP rs62638749, ClinGen allele CA9212878.

ClinVar aggregate classification (germline): Benign/Likely benign. Review status: criteria provided, multiple submitters, no conflicts (2 of 4 stars). 8 submissions from 8 submitters: Benign (5); Likely benign (3). Last evaluated 2026-09-01.

Conditions:
Polycystic liver disease 1 (PCLD1). Also called: Polycystic liver disease 1 with or without kidney cysts. Identifiers: Orphanet 2924, MedGen C0887850, MONDO:0008265, OMIM 174050.

Allele frequency attached by ClinVar (database versions not stated): TOPMed 0.00496; gnomAD 0.00518 and 0.00536; ESP Exome Variant Server 0.00538; gnomAD exomes 0.00639 and 0.00760; ExAC 0.00729; 1000 Genomes Project 0.00799; 1000 Genomes Project 30x 0.00828.

Submissions (8):

CeGaT Center for Human Genetics Tuebingen
Classification: Benign. Last evaluated: 2026-09-01. Review status: criteria provided, single submitter. Criteria: CeGaT Center For Human Genetics Tuebingen Variant Classification Criteria Version 2. Collection method: clinical testing. Allele origin: germline. Affected: yes. Observed: 7 variant alleles.
Comment: PRKCSH: BP4, BP7, BS1, BS2

Labcorp Genetics (formerly Invitae), Labcorp
Classification: Benign. Last evaluated: 2026-01-23. Review status: criteria provided, single submitter. Criteria: Invitae Variant Classification Sherloc (09022015). Collection method: clinical testing. Allele origin: germline.

Blueprint Genetics
Classification: Likely benign. Last evaluated: 2024-11-28. Review status: criteria provided, single submitter. Criteria: ACMG Guidelines, 2015. Collection method: clinical testing. Allele origin: germline.

Mayo Clinic Laboratories, Mayo Clinic
Classification: Benign. Last evaluated: 2023-09-20. Review status: criteria provided, single submitter. Criteria: ACMG Guidelines, 2015. Collection method: clinical testing. Allele origin: germline. Observed: 6 variant alleles.
Comment: BA1, BS2, BP4, BP7

GeneDx
Classification: Likely benign. Last evaluated: 2021-01-11. Review status: criteria provided, single submitter. Criteria: GeneDx Variant Classification Process June 2021. Collection method: clinical testing. Allele origin: germline. Affected: yes.

Illumina Laboratory Services, Illumina
Classification: Benign for Polycystic liver disease 1. Last evaluated: 2018-01-13. Review status: criteria provided, single submitter. Criteria: ICSL Variant Classification Criteria 13 December 2019. Collection method: clinical testing. Allele origin: germline.
Comment: This variant was observed in the ICSL laboratory as part of a predisposition screen in an ostensibly healthy population. It had not been previously curated by ICSL or reported in the Human Gene Mutation Database (HGMD: prior to June 1st, 2018), and was therefore a candidate for classification through an automated scoring system. Utilizing variant allele frequency, disease prevalence and penetrance estimates, and inheritance mode, an automated score was calculated to assess if this variant is too frequent to cause the disease. Based on the score and internal cut-off values, a variant classified as benign is not then subjected to further curation. The score for this variant resulted in a classification of benign for this disease.

Breakthrough Genomics
Classification: Likely benign. Review status: criteria provided, single submitter. Criteria: ACMG Guidelines, 2015. Collection method: not provided. Allele origin: germline. Inheritance: Autosomal dominant inheritance. Affected: yes.

PreventionGenetics, part of Exact Sciences
Classification: Benign. Review status: criteria provided, single submitter. Criteria: ACMG Guidelines, 2015. Collection method: clinical testing. Allele origin: germline.